The following is an entry in ClinVar:

NM_012463.4(ATP6V0A2):c.130del (p.Asn43_Val44insTer)

Gene: ATP6V0A2 (ATPase H+ transporting V0 subunit a2; plus strand). Cytogenetic location: 12q24.31.
Variant type: Deletion.
Coding change: c.130del on transcript NM_012463.4 (MANE Select); coding-DNA position 130, one base deleted (G; older notation c.130delG).
Protein change: p.Asn43_Val44insTer.
Molecular consequence: nonsense.
Genome position (GRCh38, 1-based): chr12:123,718,635, G deleted. VCF-style (leftmost placement, unchanged base first): chr12-123718634-CG-C. GRCh37 (hg19) VCF-style: chr12-124203181-CG-C.
Identifiers: ClinVar variation 3574387 (VCV003574387.4).
Genomic context (GRCh38, chr12:123,718,634, plus strand): 5'-TATTTTTAAATTTTAGAAATTTAAACCATATTTTTCATCCTTTTCTCAGCTCAACCAGAA[CG>C]TAAGTTCTTTCCAAAGAAAATTTGTTGGTGAGGTGAAGAGGTGTGAAGAGCTAGAGCGAA-3'

ClinVar aggregate classification (germline): Pathogenic/Likely pathogenic. Review status: criteria provided, multiple submitters, no conflicts (2 of 4 stars). 3 submissions from 3 submitters: Pathogenic (2); Likely pathogenic (1). Last evaluated 2024-04-01.

Conditions:
Wrinkly skin syndrome (WSS). Also called: Type of Gerodermia osteodysplastica. Identifiers: Orphanet 2834, MedGen C0406587, MONDO:0010208, OMIM 278250.
Cutis laxa with osteodystrophy (ARCL2A). Also called: Debré-Type Cutis Laxa; CUTIS LAXA WITH CONGENITAL DISORDER OF GLYCOSYLATION; CUTIS LAXA, AUTOSOMAL RECESSIVE, TYPE IIA; CUTIS LAXA WITH BONE DYSTROPHY; CUTIS LAXA WITH GROWTH AND DEVELOPMENTAL DELAY; CUTIS LAXA WITH JOINT LAXITY AND RETARDED DEVELOPMENT. Identifiers: Orphanet 357058, MedGen C0268355, MONDO:0018163, OMIM 219200. Disease mechanism: loss of function.
ATP6V0A2-related disorder. Also called: ATP6V0A2-related condition.
ALG9 congenital disorder of glycosylation (CDG1L). Also called: CDG Il; CONGENITAL DISORDER OF GLYCOSYLATION, TYPE Il; ALG9-CDG. Identifiers: Orphanet 79328, MedGen C2931006, MONDO:0012117, OMIM 608776.

Submissions (3):

Labcorp Genetics (formerly Invitae), Labcorp
Classification: Pathogenic for ALG9 congenital disorder of glycosylation. Last evaluated: 2024-04-01. Review status: criteria provided, single submitter. Criteria: Invitae Variant Classification Sherloc (09022015). Collection method: clinical testing. Allele origin: germline.
Comment: This sequence change creates a premature translational stop signal (p.Val44*) in the ATP6V0A2 gene. It is expected to result in an absent or disrupted protein product. Loss-of-function variants in ATP6V0A2 are known to be pathogenic (PMID: 18157129, 19321599). This variant is present in population databases (rs761799156, gnomAD 0.0009%). This premature translational stop signal has been observed in individual(s) with autosomal recessive cutis laxa type 2 (PMID: 19321599). This variant is also known as p.N43fsX55. For these reasons, this variant has been classified as Pathogenic.

Fulgent Genetics
Classification: Pathogenic for Cutis laxa with osteodystrophy; Wrinkly skin syndrome. Last evaluated: 2024-02-08. Review status: criteria provided, single submitter. Criteria: ACMG Guidelines, 2015. Collection method: clinical testing. Allele origin: germline.

Blueprint Genetics
Classification: Likely pathogenic for ATP6V0A2-related disorders. Last evaluated: 2023-12-18. Review status: criteria provided, single submitter. Criteria: ACMG Guidelines, 2015. Collection method: clinical testing. Allele origin: germline. Affected: yes. Observed: 1 variant allele.

Literature cited by the submitters: PubMed 18157129 (cited by Labcorp Genetics (formerly Invitae), Labcorp); PubMed 19321599 (cited by Labcorp Genetics (formerly Invitae), Labcorp).